The following continues an entry in ClinVar:

NM_000363.5(TNNI3):c.5C>T (p.Ala2Val)

Gene: TNNI3. ClinVar aggregate classification (germline): Conflicting classifications of pathogenicity. Likely pathogenic (4); Uncertain significance (8).

Submissions 9 to 13 of 13:

Victorian Clinical Genetics Services, Murdoch Childrens Research Institute
Classification: Likely pathogenic for Dilated cardiomyopathy 2A. Last evaluated: 2022-02-02. Review status: criteria provided, single submitter. Criteria: ACMG Guidelines, 2015. Collection method: clinical testing. Allele origin: germline. Inheritance: Autosomal recessive inheritance.
Comment: Based on the classification scheme VCGS_Germline_v1.3.4, this variant is classified as likely pathogenic. Following criteria are met: 0103 - Gain of function and loss of function are reported mechanisms of disease in this gene. The former is associated with familial restrictive cardiomyopathy 1 (MIM#115210) and hypertrophic cardiomyopathy 7 (MIM#613690), while the latter is associated with dilated cardiomyopathy 1FF (MIM#613286) (PMID: 19914256, 21533915). (I) 0108 - This gene is associated with both recessive and dominant disease. Although predominantly associated with autosomal dominant disease, there are emerging reports of autosomal recessive cardiomyopathy (PMID: 15070570, 31568572). (I) 0112 - The condition associated with this gene has incomplete penetrance (PMID: 15607392). (I) 0115 - Variants in this gene are known to have variable expressivity. (PMID: 23270746). (I) 0200 - Variant is predicted to result in a missense amino acid change from alanine to valine. (I) 0252 - This variant is homozygous. (I) 0304 - Variant is present in gnomAD (v2) <0.001 (8 heterozygotes, 0 homozygotes). (SP) 0503 - Missense variant consistently predicted to be tolerated by multiple in silico tools or not conserved in placental mammals with a minor amino acid change. (SB) 0600 - Variant is located in the annotated Troponin I N-extension domain (Pfam). (I) 0705 - No comparable missense variants have previous evidence for pathogenicity. (I) 0803 - This variant has limited previous evidence of pathogenicity in unrelated individuals. This variant has been described in a DCM family with two homozygous affected siblings, where the heterozygous third sibling and parents were unaffected (PMID: 15070570). ClinVar has 4 VUS entries for this variant by clinical testing; at least one of these was identified in the homozygous state in an individual with DCM (personal correspondence). (SP) 1002 - This variant has moderate functional evidence supporting abnormal protein function. In vitro studies indicate that this variant results in reduced binding to cTnT and altered myofilament activation, although the relevance of this evidence to disease pathology is unknown (PMID: 15070570, 22940544). (SP) 1209 - This variant has been shown to be both maternally and paternally inherited (biallelic) (LABID). (I) Legend: (SP) - Supporting pathogenic, (I) - Information, (SB) - Supporting benign

AiLife Diagnostics
Classification: Uncertain significance. Last evaluated: 2021-07-28. Review status: criteria provided, single submitter. Criteria: ACMG Guidelines, 2015. Collection method: clinical testing. Allele origin: germline. Affected: yes. Observed: 1 variant allele.

CHEO Genetics Diagnostic Laboratory, Children's Hospital of Eastern Ontario
Classification: Uncertain significance for Cardiomyopathy. Last evaluated: 2019-12-20. Review status: criteria provided, single submitter. Criteria: ACMG Guidelines, 2015. Collection method: clinical testing. Allele origin: germline. Study: Canadian Open Genetics Repository.

Laboratory for Molecular Medicine, Mass General Brigham Personalized Medicine
Classification: Uncertain significance. Last evaluated: 2019-06-28. Review status: criteria provided, single submitter. Criteria: LMM Criteria. Collection method: clinical testing. Allele origin: germline. Observed: 4 variant alleles.
Comment: The p.Ala2Val variant in TNNI3 has been reported as homozygous in 2 individuals with DCM and segregated in the homozygous state in 1 affected sibling (Murphy 2004, LMM data). In vitro functional studies provide some evidence that the p.Ala2Val variant may impact protein function (Murphy 2004, Henze 2013). However, these types of assays may not accurately represent biological function. Computational prediction tools and conservation analyses suggest that this variant may not impact the protein, though this information is not predictive enough to rule out pathogenicity. This variant has been identified in 0.03% (8/30592) of South Asian chromosomes by gnomAD. This frequency raises the possibility that the variant does not cause disease in the heterozygous state but is not inconsistent with a recessive mode of inheritance. In summary, due to conflicting evidence, the clinical significance of the p.Ala2Val variant is uncertain. ACMG/AMP Criteria applied: PP1, PM3_Supporting, PS3_Supporing, BS1_Supporting, BP4.

OMIM
Classification: Pathogenic for CARDIOMYOPATHY, DILATED, 2A (1 family). Last evaluated: 2009-08-14. Review status: no assertion criteria provided. Collection method: literature only. Allele origin: germline. Not counted in ClinVar's aggregate classification.

Literature cited by the submitters: PubMed 15070570 (cited by 9 submitters); PubMed 22940544 (cited by 7 submitters); PubMed 31534214 (cited by 3 submitters); PubMed 32746448 (cited by 3 submitters); PubMed 32870709 (cited by 4 submitters); PubMed 36252119 (cited by Ambry Genetics); PubMed 15607392 (cited by Victorian Clinical Genetics Services, Murdoch Childrens Research Institute); PubMed 19914256 (cited by Victorian Clinical Genetics Services, Murdoch Childrens Research Institute); PubMed 21533915 (cited by Victorian Clinical Genetics Services, Murdoch Childrens Research Institute); PubMed 23270746 (cited by Victorian Clinical Genetics Services, Murdoch Childrens Research Institute); PubMed 31568572 (cited by Victorian Clinical Genetics Services, Murdoch Childrens Research Institute); PubMed 19590045 (cited by Laboratory for Molecular Medicine, Mass General Brigham Personalized Medicine and OMIM).